The following is an entry in ClinVar:

ClinVar aggregate classification (germline): Uncertain significance (1 of 4 stars; one submission).

Conditions:
Hereditary cancer-predisposing syndrome. Also called: Hereditary neoplastic syndrome; Hereditary Cancer Syndrome; Neoplastic Syndromes, Hereditary; Tumor predisposition. Identifiers: Orphanet 140162, MedGen C0027672, MeSH D009386, MONDO:0015356.

Submission:

Ambry Genetics
Classification: Uncertain significance for Hereditary cancer-predisposing syndrome. Last evaluated: 2026-08-10. Review status: criteria provided, single submitter. Criteria: Ambry Variant Classification Scheme 2023. Collection method: clinical testing. Allele origin: germline.
Comment: The p.D254V variant (also known as c.761A>T), located in coding exon 7 of the TSC1 gene, results from an A to T substitution at nucleotide position 761. The aspartic acid at codon 254 is replaced by valine, an amino acid with highly dissimilar properties. This amino acid position is highly conserved in available vertebrate species. In addition, this alteration is predicted to be deleterious by in silico analysis. Based on the available evidence, the clinical significance of this variant remains unclear.

NM_000368.5(TSC1):c.761A>T (p.Asp254Val)

Gene: TSC1 (TSC complex subunit 1; minus strand). Cytogenetic location: 9q34.13.
Variant type: single nucleotide variant.
Coding change: c.761A>T on transcript NM_000368.5 (MANE Select); coding-DNA position 761, A replaced by T.
Protein change: p.Asp254Val; replaces aspartic acid 254 with valine.
Molecular consequence: missense variant. On other transcripts: non-coding transcript variant (5), 5 prime UTR variant (5).
Genome position (GRCh38, 1-based): chr9:132,912,434, T>A on the plus strand (A>T on the coding strand, the complement: TSC1 is on the minus strand). VCF-style: chr9-132912434-T-A. GRCh37 (hg19) VCF-style: chr9-135787821-T-A.
Other names: c.761A>T, p.Asp254Val (NM_001162426.2, NM_001406592.1, NM_001406593.1 and 16 more transcripts); c.608A>T, p.Asp203Val (NM_001162427.2, NM_001406610.1, NM_001406611.1 and 2 more transcripts); c.398A>T, p.Asp133Val (NM_001362177.2, NM_001406614.1, NM_001406615.1 and 10 more transcripts); c.-191A>T (NM_001406626.1, NM_001406627.1, NM_001406628.1); c.-333A>T (NM_001406629.1, NM_001406630.1); short protein forms D254V, D203V, D133V.
Identifiers: ClinVar variation 2625201 (VCV002625201.3), dbSNP rs1846018773, ClinGen allele CA375369640.